The following is an entry in ClinVar:

ClinVar aggregate classification (germline): Uncertain significance (1 of 4 stars; one submission).

Conditions:
Developmental and epileptic encephalopathy, 1 (DEE1). Also called: OHTAHARA SYNDROME, X-LINKED; Epileptic encephalopathy, early infantile, 1; X-linked infantile spasms; West's syndrome; Tonic spasms with clustering, arrest of psychomotor development and hypsarrhythmia on EEG; X-Linked Infantile Spasm Syndrome. Identifiers: MedGen C3463992, MONDO:0010632, OMIM 308350. Disease mechanism: loss of function.
Intellectual disability, X-linked, with or without seizures, ARX-related. Also called: Mental retardation, X-linked 52; INTELLECTUAL DEVELOPMENTAL DISORDER, X-LINKED 29; MENTAL RETARDATION, X-LINKED 29; MENTAL RETARDATION, X-LINKED 32; MENTAL RETARDATION, X-LINKED 33; MENTAL RETARDATION, X-LINKED 38. Identifiers: Orphanet 777, MedGen C0796244, MONDO:0010317, OMIM 300419.

Submission:

Labcorp Genetics (formerly Invitae), Labcorp
Classification: Uncertain significance for Epileptic encephalopathy, early infantile, 1; Mental retardation, with or without seizures, ARX-related, X-linked. Last evaluated: 2018-08-29. Review status: criteria provided, single submitter. Criteria: Invitae Variant Classification Sherloc (09022015). Collection method: clinical testing. Allele origin: germline.
Comment: This variant results in a copy number gain of the genomic region encompassing exons 4-5 of the ARX gene. The 3' end of this event is unknown as it extends beyond the assayed region for this gene and therefore may encompass additional genes. As the precise location of this event is unknown, it may be in tandem or it may be located elsewhere in the genome. A similar copy number gain has not been reported in the literature in individuals with ARX-related disease. In summary, the available evidence is currently insufficient to determine the role of this copy number gain in disease. Therefore, it has been classified as a Variant of Uncertain Significance.

NC_000023.10:g.(?_25013922)_(25025556_?)dup

Genes: ARX (aristaless related homeobox; minus strand), POLA1 (DNA polymerase alpha 1, catalytic subunit; plus strand), LOC110120595 (VISTA enhancer hs122; plus strand), LOC110120597 (VISTA enhancer hs145; plus strand). Cytogenetic location: Xp21.3.
Variant type: Duplication.
Identifiers: ClinVar variation 643147 (VCV000643147.1).